The following is an entry in ClinVar:

ClinVar aggregate classification (germline): Likely benign (1 of 4 stars; one submission).

Submission:

CeGaT Center for Human Genetics Tuebingen
Classification: Likely benign. Last evaluated: 2026-01-01. Review status: criteria provided, single submitter. Criteria: CeGaT Center For Human Genetics Tuebingen Variant Classification Criteria Version 2. Collection method: clinical testing. Allele origin: germline. Affected: yes. Observed: 1 variant allele.
Comment: TNIK: BP4

NM_015028.4(TNIK):c.1609-4G>T

Gene: TNIK (TRAF2 and NCK interacting kinase; minus strand). Cytogenetic location: 3q26.2.
Variant type: single nucleotide variant.
Coding change: c.1609-4G>T on transcript NM_015028.4 (MANE Select); 4 bases into the intron before coding-DNA position 1609, G replaced by T.
Molecular consequence: intron variant.
Genome position (GRCh38, 1-based): chr3:171,128,882, C>A on the plus strand (G>T on the coding strand, the complement: TNIK is on the minus strand). VCF-style: chr3-171128882-C-A. GRCh37 (hg19) VCF-style: chr3-170846671-C-A.
Other names: c.1522-2731G>T (NM_001161566.3, NM_001161565.3); c.1522-4G>T (NM_001161562.3, NM_001161561.3); c.1609-2731G>T (NM_001161564.3, NM_001161563.3); c.1609-4G>T (NM_001161560.3).
Identifiers: ClinVar variation 4821021 (VCV004821021.4).
Genomic context (GRCh38, chr3:171,128,882, plus strand): 5'-AACCTTGTGAGGCATGGCAGGGGAACTTTGCCGGTTGAGCCTTGACCGTTCTTCTACCTA[C>A]AACCCAAAAAAAAAAAAAAAAAAAAGACAGCCTCAATGTATAGAAGTAGATCACCTTCTA-3'